The following is an entry in ClinVar:

ClinVar aggregate classification (germline): Benign. Review status: criteria provided, single submitter (1 of 4 stars). 2 submissions from 2 submitters: Benign (1). 1 of the submissions does not count toward it. Last evaluated 2025-11-26.

Conditions:
FBN3-related disorder. Also called: FBN3-related condition.

Allele frequency attached by ClinVar (database versions not stated): gnomAD exomes 0.00008; ExAC 0.00025; 1000 Genomes Project 0.00080; 1000 Genomes Project 30x 0.00094.
gnomAD v4.1: 130 of 1,613,244 alleles (0.0081%); highest among the groups gnomAD compares: East Asian, 0.26%; no homozygotes.

Submissions (2):

Labcorp Genetics (formerly Invitae), Labcorp
Classification: Benign. Last evaluated: 2025-11-26. Review status: criteria provided, single submitter. Criteria: Invitae Variant Classification Sherloc (09022015). Collection method: clinical testing. Allele origin: germline.

PreventionGenetics, part of Exact Sciences
Classification: Likely benign for FBN3-related condition. Last evaluated: 2019-04-01. Review status: no assertion criteria provided. Collection method: clinical testing. Allele origin: germline. Not counted in ClinVar's aggregate classification.
Comment: This variant is classified as likely benign based on ACMG/AMP sequence variant interpretation guidelines (Richards et al. 2015 PMID: 25741868, with internal and published modifications).

NM_032447.5(FBN3):c.2946A>C (p.Pro982=)

Gene: FBN3 (fibrillin 3; minus strand). Cytogenetic location: 19p13.2.
Variant type: single nucleotide variant.
Coding change: c.2946A>C on transcript NM_032447.5 (MANE Select); coding-DNA position 2946, A replaced by C.
Protein change: p.Pro982=; no amino-acid change (proline 982 retained).
Molecular consequence: synonymous variant.
Genome position (GRCh38, 1-based): chr19:8,123,794, T>G on the plus strand (A>C on the coding strand, the complement: FBN3 is on the minus strand). VCF-style: chr19-8123794-T-G. GRCh37 (hg19) VCF-style: chr19-8188678-T-G.
Other names: c.2946A>C (NM_001321431.1); c.2946A>C, p.Pro982= (NM_001321431.2).
Identifiers: ClinVar variation 2183541 (VCV002183541.6), dbSNP rs181405897, ClinGen allele CA9152666.